The following is an entry in ClinVar:

ClinVar aggregate classification (germline): Uncertain significance. Review status: criteria provided, multiple submitters, no conflicts (2 of 4 stars). 5 submissions from 5 submitters: Uncertain significance (3). 2 of the submissions do not count toward it. Last evaluated 2025-01-17.

Conditions:
CEP290-related disorder. Also called: CEP290-related condition; CEP290-related disorders. Identifiers: MedGen CN239314.
Joubert syndrome. Also called: Familial aplasia of the vermis; CEREBELLOPARENCHYMAL DISORDER IV; JOUBERT-BOLTSHAUSER SYNDROME. Identifiers: Orphanet 475, MedGen C5979921, MONDO:0018772.
Meckel-Gruber syndrome. Also called: Dysencephalia splachnocystica; DYSENCEPHALIA SPLANCHNOCYSTICA; GRUBER SYNDROME. Identifiers: Orphanet 564, MedGen C0265215, MONDO:0018921.
Nephronophthisis. Also called: Juvenile Nephronophthisis. Identifiers: Orphanet 655, MedGen C0687120, MONDO:0019005, HP:0000090.
Inborn genetic diseases. Identifiers: MedGen C0950123, MeSH D030342.
Leber congenital amaurosis (LCA). Also called: Leber's amaurosis. Identifiers: Orphanet 65, MedGen C0339527, MeSH D057130, MONDO:0018998.
Leber congenital amaurosis 10 (LCA10). Identifiers: Orphanet 65, MedGen C1857821, MONDO:0012723, OMIM 611755.
Meckel syndrome, type 4 (MKS4). Also called: MECKEL-GRUBER SYNDROME, TYPE 4. Identifiers: Orphanet 564, MedGen C1970161, MONDO:0012626, OMIM 611134.
Joubert syndrome 5 (JBTS5). Identifiers: Orphanet 2318, MedGen C1857780, MONDO:0012432, OMIM 610188.
Bardet-Biedl syndrome 14 (BBS14). Identifiers: Orphanet 110, MedGen C2673874, MONDO:0014442, OMIM 615991.
Senior-Loken syndrome 6 (SLSN6). Identifiers: Orphanet 3156, MedGen C1857779, MONDO:0012433, OMIM 610189.

Allele frequency attached by ClinVar (database versions not stated): gnomAD exomes 0.00002; TOPMed 0.00002; gnomAD 0.00004; ESP Exome Variant Server 0.00008; ExAC 0.00001.
gnomAD v4.1: 29 of 1,611,304 alleles (0.0018%); highest among the groups gnomAD compares: African/African-American, 0.0027%; no homozygotes.

Submissions (5):

Ambry Genetics
Classification: Uncertain significance for Inborn genetic diseases. Last evaluated: 2025-01-17. Review status: criteria provided, single submitter. Criteria: Ambry Variant Classification Scheme 2023. Collection method: clinical testing. Allele origin: germline.

Fulgent Genetics
Classification: Uncertain significance for Joubert syndrome 5; Senior-Loken syndrome 6; Meckel syndrome, type 4; Leber congenital amaurosis 10; Bardet-Biedl syndrome 14. Last evaluated: 2024-05-14. Review status: criteria provided, single submitter. Criteria: ACMG Guidelines, 2015. Collection method: clinical testing. Allele origin: germline.

Labcorp Genetics (formerly Invitae), Labcorp
Classification: Uncertain significance for Joubert syndrome; Meckel-Gruber syndrome; Nephronophthisis. Last evaluated: 2021-08-31. Review status: criteria provided, single submitter. Criteria: Invitae Variant Classification Sherloc (09022015). Collection method: clinical testing. Allele origin: germline.
Comment: This sequence change replaces asparagine with aspartic acid at codon 914 of the CEP290 protein (p.Asn914Asp). The asparagine residue is highly conserved and there is a small physicochemical difference between asparagine and aspartic acid. This variant is present in population databases (rs372321551, ExAC 0.002%). This variant has not been reported in the literature in individuals affected with CEP290-related conditions. Algorithms developed to predict the effect of missense changes on protein structure and function are either unavailable or do not agree on the potential impact of this missense change (SIFT: "Deleterious"; PolyPhen-2: "Possibly Damaging"; Align-GVGD: "Class C0"). In summary, the available evidence is currently insufficient to determine the role of this variant in disease. Therefore, it has been classified as a Variant of Uncertain Significance.

PreventionGenetics, part of Exact Sciences
Classification: Uncertain significance for CEP290-related condition. Last evaluated: 2024-05-26. Review status: no assertion criteria provided. Collection method: clinical testing. Allele origin: germline. Not counted in ClinVar's aggregate classification.
Comment: The CEP290 c.2740A>G variant is predicted to result in the amino acid substitution p.Asn914Asp. To our knowledge, this variant has not been reported in the literature. This variant is reported in 0.013% of alleles in individuals of European (Non-Finnish) descent in gnomAD. At this time, the clinical significance of this variant is uncertain due to the absence of conclusive functional and genetic evidence.

Natera, Inc.
Classification: Uncertain significance for Leber congenital amaurosis. Last evaluated: 2021-06-24. Review status: no assertion criteria provided. Collection method: clinical testing. Allele origin: germline. Not counted in ClinVar's aggregate classification.

NM_025114.4(CEP290):c.2740A>G (p.Asn914Asp)

Gene: CEP290 (centrosomal protein 290; minus strand). Cytogenetic location: 12q21.32.
Variant type: single nucleotide variant.
Coding change: c.2740A>G on transcript NM_025114.4 (MANE Select); coding-DNA position 2740, A replaced by G.
Protein change: p.Asn914Asp; replaces asparagine 914 with aspartic acid.
Molecular consequence: missense variant.
Genome position (GRCh38, 1-based): chr12:88,106,752, T>C on the plus strand (A>G on the coding strand, the complement: CEP290 is on the minus strand). VCF-style: chr12-88106752-T-C. GRCh37 (hg19) VCF-style: chr12-88500529-T-C.
Other names: c.2740A>G (NM_025114.3); short protein forms N914D.
Identifiers: ClinVar variation 1041844 (VCV001041844.10), dbSNP rs372321551, ClinGen allele CA6712282.